The following is an entry in ClinVar:

NM_018668.5(VPS33B):c.702T>C (p.Asp234=)

Gene: VPS33B (VPS33B late endosome and lysosome associated; minus strand). Cytogenetic location: 15q26.1.
Variant type: single nucleotide variant.
Coding change: c.702T>C on transcript NM_018668.5 (MANE Select); coding-DNA position 702, T replaced by C.
Protein change: p.Asp234=; no amino-acid change (aspartic acid 234 retained).
Molecular consequence: synonymous variant.
Genome position (GRCh38, 1-based): chr15:91,006,728, A>G on the plus strand (T>C on the coding strand, the complement: VPS33B is on the minus strand). VCF-style: chr15-91006728-A-G. GRCh37 (hg19) VCF-style: chr15-91549958-A-G.
Other names: c.621T>C, p.Asp207= (NM_001289148.1); c.429T>C, p.Asp143= (NM_001289149.1).
Identifiers: ClinVar variation 4773110 (VCV004773110.2).

ClinVar aggregate classification (germline): Likely benign. Review status: criteria provided, multiple submitters, no conflicts (2 of 4 stars). 2 submissions from 2 submitters: Likely benign (2). Last evaluated 2025-06-07.

Conditions:
VPS33B-related disorder. Also called: VPS33B-related condition.

gnomAD v4.1: 6 of 1,614,074 alleles (0.00037%); highest among the groups gnomAD compares: African/African-American, 0.004%; no homozygotes.

Submissions (2):

Labcorp Genetics (formerly Invitae), Labcorp
Classification: Likely benign. Last evaluated: 2025-06-07. Review status: criteria provided, single submitter. Criteria: Invitae Variant Classification Sherloc (09022015). Collection method: clinical testing. Allele origin: germline.

PreventionGenetics, part of Exact Sciences
Classification: Likely benign for VPS33B-related condition. Last evaluated: 2025-03-28. Review status: criteria provided, single submitter. Criteria: ACMG Guidelines, 2015. Collection method: clinical testing. Allele origin: germline.
Comment: This variant is classified as likely benign based on ACMG/AMP sequence variant interpretation guidelines (Richards et al. 2015 PMID: 25741868, with internal and published modifications).